The following is an entry in ClinVar:

ClinVar aggregate classification (germline): Likely pathogenic (1 of 4 stars; one submission).

Conditions:
Fanconi anemia (FA). Also called: Fanconi's anemia. Identifiers: Orphanet 84, MedGen C0015625, MeSH D005199, MONDO:0019391.

Allele frequency attached by ClinVar (database versions not stated): gnomAD exomes below 0.00001.
gnomAD v4.1: 1 of 1,609,200 alleles (0.000062%); highest among the groups gnomAD compares: Non-Finnish European, 0.000085%; no homozygotes.

Submission:

Labcorp Genetics (formerly Invitae), Labcorp
Classification: Likely pathogenic for Fanconi anemia. Last evaluated: 2023-05-11. Review status: criteria provided, single submitter. Criteria: Invitae Variant Classification Sherloc (09022015). Collection method: clinical testing. Allele origin: germline.
Comment: In summary, the currently available evidence indicates that the variant is pathogenic, but additional data are needed to prove that conclusively. Therefore, this variant has been classified as Likely Pathogenic. Algorithms developed to predict the effect of sequence changes on RNA splicing suggest that this variant may disrupt the consensus splice site. This variant has not been reported in the literature in individuals affected with FANCD2-related conditions. This variant is not present in population databases (gnomAD no frequency). This sequence change affects a donor splice site in intron 38 of the FANCD2 gene. It is expected to disrupt RNA splicing. Variants that disrupt the donor or acceptor splice site typically lead to a loss of protein function (PMID: 16199547), and loss-of-function variants in FANCD2 are known to be pathogenic (PMID: 17436244).

Literature cited by the submitters: PubMed 16199547; PubMed 17436244.

NM_001018115.3(FANCD2):c.3849+1G>A

Genes: FANCD2 (FA complementation group D2; plus strand), FANCD2OS (FANCD2 opposite strand; minus strand). Cytogenetic location: 3p25.3.
Variant type: single nucleotide variant.
Coding change: c.3849+1G>A on transcript NM_001018115.3 (MANE Select); the canonical splice donor site of the intron after coding-DNA position 3849, G replaced by A.
Molecular consequence: splice donor variant. On other transcripts: intron variant (1).
Genome position (GRCh38, 1-based): chr3:10,092,253, G>A. VCF-style: chr3-10092253-G-A. GRCh37 (hg19) VCF-style: chr3-10133937-G-A.
Other names: c.3849+1G>A (NM_001319984.2, NM_033084.6, NM_001374254.1); c.3738+1G>A (NM_001374253.1); c.*44-10722C>T (NM_173472.2).
Identifiers: ClinVar variation 3002791 (VCV003002791.3), dbSNP rs2125086228, ClinGen allele CA351755873.